The following is an entry in ClinVar:

ClinVar aggregate classification (germline): Benign. Review status: criteria provided, multiple submitters, no conflicts (2 of 4 stars). 4 submissions from 4 submitters: Benign (4). Last evaluated 2025-12-22.

Conditions:
Emery-Dreifuss muscular dystrophy 5, autosomal dominant (EDMD5). Also called: EMERY-DREIFUSS MUSCULAR DYSTROPHY 5. Identifiers: Orphanet 261, MedGen C2751805, MONDO:0013072, OMIM 612999.

Allele frequency attached by ClinVar (database versions not stated): ExAC 0.00083; gnomAD exomes 0.00088 and 0.00121; gnomAD 0.00094; TOPMed 0.00096; ESP Exome Variant Server 0.00123; 1000 Genomes Project 0.00140; 1000 Genomes Project 30x 0.00156.
gnomAD v4.1: 1,897 of 1,602,014 alleles (0.12%); highest among the groups gnomAD compares: Non-Finnish European, 0.15%; 8 homozygotes.

Submissions (4):

Labcorp Genetics (formerly Invitae), Labcorp
Classification: Benign for Emery-Dreifuss muscular dystrophy 5, autosomal dominant. Last evaluated: 2025-12-22. Review status: criteria provided, single submitter. Criteria: Invitae Variant Classification Sherloc (09022015). Collection method: clinical testing. Allele origin: germline.

CeGaT Center for Human Genetics Tuebingen
Classification: Benign. Last evaluated: 2022-05-01. Review status: criteria provided, single submitter. Criteria: CeGaT Center For Human Genetics Tuebingen Variant Classification Criteria Version 2. Collection method: clinical testing. Allele origin: germline. Affected: yes. Observed: 1 variant allele.
Comment: SYNE2: BS1, BS2

Illumina Laboratory Services, Illumina
Classification: Benign for Emery-Dreifuss muscular dystrophy 5, autosomal dominant. Last evaluated: 2018-01-12. Review status: criteria provided, single submitter. Criteria: ICSL Variant Classification Criteria 13 December 2019. Collection method: clinical testing. Allele origin: germline.
Comment: This variant was observed in the ICSL laboratory as part of a predisposition screen in an ostensibly healthy population. It had not been previously curated by ICSL or reported in the Human Gene Mutation Database (HGMD: prior to June 1st, 2018), and was therefore a candidate for classification through an automated scoring system. Utilizing variant allele frequency, disease prevalence and penetrance estimates, and inheritance mode, an automated score was calculated to assess if this variant is too frequent to cause the disease. Based on the score and internal cut-off values, a variant classified as benign is not then subjected to further curation. The score for this variant resulted in a classification of benign for this disease.

Breakthrough Genomics
Classification: Benign. Review status: criteria provided, single submitter. Criteria: ACMG Guidelines, 2015. Collection method: not provided. Allele origin: germline. Inheritance: Autosomal dominant inheritance. Affected: yes.

NM_182914.3(SYNE2):c.20383-13G>A

Gene: SYNE2 (spectrin repeat containing nuclear envelope protein 2; plus strand). Cytogenetic location: 14q23.2.
Variant type: single nucleotide variant.
Coding change: c.20383-13G>A on transcript NM_182914.3 (MANE Select); 13 bases into the intron before coding-DNA position 20383, G replaced by A.
Molecular consequence: intron variant.
Genome position (GRCh38, 1-based): chr14:64,224,448, G>A. VCF-style: chr14-64224448-G-A. GRCh37 (hg19) VCF-style: chr14-64691166-G-A.
Other names: c.20314-13G>A (NM_015180.6); c.1327-13G>A (NM_182913.4); c.949-13G>A (NM_182910.2).
Identifiers: ClinVar variation 313660 (VCV000313660.37), dbSNP rs118059639, ClinGen allele CA7224846.
Genomic context (GRCh38, chr14:64,224,448, plus strand): 5'-GAGGGTGAGCTATATCATGAAGAATATGCATGAAACACATTTCTGTGCTCAACCTTTGGG[G>A]TCTGAATTTCAGAACCCAGCCTCACCCCTGCCCAGCTTCGACGAGGTAGACTCGGGGGAC-3'